The following is an entry in ClinVar:

NM_005765.3(ATP6AP2):c.321C>T (p.Asp107=)

Gene: ATP6AP2 (ATPase H+ transporting accessory protein 2; plus strand). Cytogenetic location: Xp11.4.
Variant type: single nucleotide variant.
Coding change: c.321C>T on transcript NM_005765.3 (MANE Select); coding-DNA position 321, C replaced by T.
Protein change: p.Asp107=; no amino-acid change (aspartic acid 107 retained).
Molecular consequence: synonymous variant.
Genome position (GRCh38, 1-based): chrX:40,597,269, C>T. VCF-style: chrX-40597269-C-T. GRCh37 (hg19) VCF-style: chrX-40456521-C-T.
Other names: D107D.
Identifiers: ClinVar variation 10801 (VCV000010801.13), dbSNP rs121918521, ClinGen allele CA121185.
Genomic context (GRCh38, chrX:40,597,269, plus strand): 5'-TGGTTCACATAATAATTGCGTTCTTACTCTTAAATTTCAGGCAGTTCCTTTTAGTCTTGA[C>T]AGTGTTGCAAATTCCATTCACTCCTTATTTTCTGAGGAAACTCCTGTTGTTTTGCAGTTG-3'
Protein context (NP_005756.2, residues 97-117): PLENAVPFSL[Asp107=]SVANSIHSLF

ClinVar aggregate classification (germline): Pathogenic. Review status: criteria provided, multiple submitters, no conflicts (2 of 4 stars). 3 submissions from 3 submitters: Pathogenic (2). 1 of the submissions does not count toward it. Last evaluated 2023-12-13.

Conditions:
Intellectual developmental disorder, X-linked, syndromic, Hedera type. Also called: Syndromic X-linked intellectual disability Hedera type. Identifiers: Orphanet 93952, MedGen C1845543, MONDO:0010319, OMIM 300423.

Submissions (3):

3billion
Classification: Pathogenic for Intellectual developmental disorder, X-linked, syndromic, Hedera type. Last evaluated: 2023-12-13. Review status: criteria provided, single submitter. Criteria: ACMG Guidelines, 2015. Collection method: clinical testing. Allele origin: germline. Affected: yes.
Comment: The variant is not observed in the gnomAD v2.1.1 dataset. Predicted Consequence/Location: Synonymous variant Functional studies provide moderate evidence of the variant having a damaging effect on the gene or gene product (PMID: 15746149). The variant has been reported to co-segregate with the disease in at least 7 similarly affected relatives/individuals in at least two unrelated families (PMID: 15746149). The variant has been reported at least twice as pathogenic without evidence for the classification (ClinVar ID: VCV000010801 / PMID: 15746149). Therefore, this variant is classified as Pathogenic according to the recommendation of ACMG/AMP guideline.

Labcorp Genetics (formerly Invitae), Labcorp
Classification: Pathogenic for Intellectual developmental disorder, X-linked, syndromic, Hedera type. Last evaluated: 2022-12-20. Review status: criteria provided, single submitter. Criteria: Invitae Variant Classification Sherloc (09022015). Collection method: clinical testing. Allele origin: germline.
Comment: For these reasons, this variant has been classified as Pathogenic. Algorithms developed to predict the effect of sequence changes on RNA splicing suggest that this variant is not likely to affect RNA splicing. Experimental studies have shown that this variant affects ATP6AP2 function (PMID: 15746149). Algorithms developed to predict the effect of variants on protein structure and function are not available or were not evaluated for this variant. ClinVar contains an entry for this variant (Variation ID: 10801). This variant has been observed in individual(s) with clinical features of ATP6AP2-related conditions (PMID: 15746149). It has also been observed to segregate with disease in related individuals. This variant is not present in population databases (gnomAD no frequency). This sequence change affects codon 107 of the ATP6AP2 mRNA. It is a 'silent' change, meaning that it does not change the encoded amino acid sequence of the ATP6AP2 protein.

OMIM
Classification: Pathogenic for INTELLECTUAL DEVELOPMENTAL DISORDER, X-LINKED, SYNDROMIC, HEDERA TYPE. Last evaluated: 2005-04-15. Review status: no assertion criteria provided. Collection method: literature only. Allele origin: germline. Not counted in ClinVar's aggregate classification.

Literature cited by the submitters: PubMed 15746149 (cited by 3 submitters); PubMed 11782983 (cited by OMIM).